The following is an entry in ClinVar:

ClinVar aggregate classification (germline): Conflicting classifications of pathogenicity. Review status: criteria provided, conflicting classifications (1 of 4 stars). 8 submissions from 8 submitters: Likely pathogenic (6); Uncertain significance (2). Last evaluated 2026-01-02.

Conditions:
Enhanced S-cone syndrome (ESCS). Identifiers: Orphanet 53540, MedGen C1849394, MONDO:0100288, MONDO:0009989.
Retinitis pigmentosa 37 (RP37). Identifiers: Orphanet 791, MedGen C1970163, MONDO:0012625, OMIM 611131.
Retinal disorder. Also called: Retinal disorders; Retinopathies; Retinal Diseases; Retinopathy. Identifiers: MedGen C0035309, MONDO:0005283, HP:0000488.
ENHANCED S-CONE SYNDROME 1 (ESCS1). Also called: RETINOSCHISIS WITH EARLY HEMERALOPIA; FAVRE HYALOIDEORETINAL DEGENERATION. Identifiers: MedGen CN380299, OMIM 268100.

Allele frequency attached by ClinVar (database versions not stated): TOPMed below 0.00001; gnomAD exomes 0.00001.

Submissions (8):

Medical Molecular Genetics Department, National Research Center
Classification: Likely pathogenic for ENHANCED S-CONE SYNDROME 1. Last evaluated: 2026-01-02. Review status: criteria provided, single submitter. Criteria: ACMG Guidelines, 2015. Collection method: clinical testing. Allele origin: germline. Affected: yes.
Comment: PS4, PM2, PP5

North West Genomic Laboratory Hub, Manchester University NHS Foundation Trust
Classification: Likely pathogenic for Retinal disorders. Last evaluated: 2025-10-21. Review status: criteria provided, single submitter. Criteria: ACGS Best Practice Guidelines for Variant Classification in Rare Disease 2024. Collection method: clinical testing. Allele origin: germline. Affected: yes.
Comment: PM2_Mod PM3_Str PP3_Supp

Natera, Inc.
Classification: Likely pathogenic for Enhanced S cone syndrome. Last evaluated: 2025-03-27. Review status: criteria provided, single submitter. Criteria: Natera Variant Classification Schema (03/2026). Collection method: clinical testing. Allele origin: germline.
Comment: The c.349G>A variant in NR2E3 is a missense variant predicted to cause substitution of alanine to threonine at amino acid 117. This variant is rare in the general population with a frequency below the threshold expected for the associated phenotype(s). This variant has been observed in one or more individuals affected with the associated recessive disease, as either homozygous or compound heterozygous with a second variant (PMID: 33819700, 37628579). This variant has been identified in one or more affected individuals with a phenotype highly consistent with the associated gene (PMID: 33819700). Computational prediction algorithms indicate this variant is likely to affect gene or protein function. Given the available evidence, this variant is classified as Likely Pathogenic.

3billion
Classification: Likely pathogenic for Retinitis pigmentosa 37. Last evaluated: 2024-12-04. Review status: criteria provided, single submitter. Criteria: ACMG Guidelines, 2015. Collection method: clinical testing. Allele origin: germline. Affected: yes.
Comment: The variant is observed at an extremely low frequency in the gnomAD v4.1.0 dataset (total allele frequency: 0.001%). Predicted Consequence/Location: Missense variant. The majority of the known disease-causing variants of this gene are variants expected to result in premature termination of the protein. In silico tool predictions suggest damaging effect of the variant on gene or gene product [3Cnet: 0.80 (>=0.6, sensitivity 0.72 and precision 0.9)]. The same nucleotide change resulting in the same amino acid change has been previously reported as pathogenic/likely pathogenic with strong evidence (ClinVar ID: VCV001060772). Therefore, this variant is classified as Likely pathogenic according to the recommendation of ACMG/AMP guideline.

Institute of Medical Genetics and Applied Genomics, University Hospital Tübingen
Classification: Likely pathogenic for Retinitis pigmentosa 37. Last evaluated: 2024-06-18. Review status: criteria provided, single submitter. Criteria: ACMG Guidelines, 2015. Collection method: clinical testing. Allele origin: germline. Affected: yes.

Blueprint Genetics
Classification: Uncertain significance. Last evaluated: 2022-07-08. Review status: criteria provided, single submitter. Criteria: ACMG Guidelines, 2015. Collection method: clinical testing. Allele origin: germline.

Labcorp Genetics (formerly Invitae), Labcorp
Classification: Uncertain significance. Last evaluated: 2021-08-26. Review status: criteria provided, single submitter. Criteria: Invitae Variant Classification Sherloc (09022015). Collection method: clinical testing. Allele origin: germline.

Genetics and Molecular Pathology, SA Pathology
Classification: Likely pathogenic for Retinitis pigmentosa 37. Last evaluated: 2021-06-04. Review status: criteria provided, single submitter. Criteria: ACMG Guidelines, 2015. Collection method: clinical testing. Allele origin: germline.

Literature cited by the submitters: PubMed 33819700 (cited by Natera, Inc.); PubMed 37628579 (cited by Natera, Inc.).

NM_014249.4(NR2E3):c.349G>A (p.Ala117Thr)

Gene: NR2E3 (nuclear receptor subfamily 2 group E member 3; plus strand). Cytogenetic location: 15q23.
Variant type: single nucleotide variant.
Coding change: c.349G>A on transcript NM_014249.4 (MANE Select); coding-DNA position 349, G replaced by A.
Protein change: p.Ala117Thr; replaces alanine 117 with threonine.
Molecular consequence: missense variant.
Genome position (GRCh38, 1-based): chr15:71,811,869, G>A. VCF-style: chr15-71811869-G-A. GRCh37 (hg19) VCF-style: chr15-72104209-G-A.
Other names: c.349G>A, p.Ala117Thr (NM_016346.4); c.349G>A (NM_014249.3); short protein forms A117T.
Identifiers: ClinVar variation 1060772 (VCV001060772.13), dbSNP rs1259983553, ClinGen allele CA393033772.